The following is an entry in ClinVar:

NM_015047.3(EMC1):c.1096_1097del (p.Leu366fs)

Genes: EMC1 (ER membrane protein complex subunit 1; minus strand), EMC1-AS1 (EMC1 antisense RNA 1; plus strand). Cytogenetic location: 1p36.13.
Variant type: Microsatellite.
Coding change: c.1096_1097del on transcript NM_015047.3 (MANE Select); coding-DNA positions 1096 to 1097, 2 bases deleted (CT; older notation c.1096_1097delCT).
Protein change: p.Leu366fs; shifts the reading frame from leucine 366.
Molecular consequence: frameshift variant.
Genome position (GRCh38, 1-based): chr1:19,238,132-19,238,133, AG deleted on the plus strand (CT on the coding strand, the reverse complement: EMC1 is on the minus strand); deleting any 2 consecutive bases within chr1:19,238,132-19,238,137 gives the same sequence; the c. name uses the placement nearest the transcript's 3' end. VCF-style (leftmost placement, unchanged base first): chr1-19238131-CAG-C. GRCh37 (hg19) VCF-style: chr1-19564625-CAG-C.
Other names: c.1093_1094del, p.Leu365fs (NM_001271427.2, NM_001375821.1); c.1096_1097del, p.Leu366fs (NM_001271428.2, NM_001375820.1); c.1030_1031del, p.Leu344fs (NM_001271429.2); short protein forms L344fs, L365fs, L366fs.
Identifiers: ClinVar variation 1444028 (VCV001444028.6), dbSNP rs1424417218, ClinGen allele CA729232517.

ClinVar aggregate classification (germline): Pathogenic (1 of 4 stars; one submission).

Submission:

Labcorp Genetics (formerly Invitae), Labcorp
Classification: Pathogenic. Last evaluated: 2021-09-01. Review status: criteria provided, single submitter. Criteria: Invitae Variant Classification Sherloc (09022015). Collection method: clinical testing. Allele origin: germline.
Comment: This sequence change creates a premature translational stop signal (p.Leu366Glyfs*10) in the EMC1 gene. It is expected to result in an absent or disrupted protein product. Loss-of-function variants in EMC1 are known to be pathogenic (PMID: 26572623, 26942288, 29271071). This variant is not present in population databases (ExAC no frequency). This variant has not been reported in the literature in individuals affected with EMC1-related conditions. For these reasons, this variant has been classified as Pathogenic.

Literature cited by the submitters: PubMed 26572623; PubMed 26942288; PubMed 29271071.